The following is an entry in ClinVar:

ClinVar aggregate classification (germline): Uncertain significance. Review status: criteria provided, multiple submitters, no conflicts (2 of 4 stars). 3 submissions from 3 submitters: Uncertain significance (3). Last evaluated 2025-04-17.

Conditions:
Medulloblastoma (MDB). Also called: MEDULLOBLASTOMA PREDISPOSITION SYNDROME; Medulloblastoma, somatic. Identifiers: Orphanet 616, MedGen C0025149, MeSH D008527, MONDO:0007959, OMIM 155255, HP:0002885.
Gorlin syndrome. Also called: Nevoid Basal Cell Carcinoma Syndrome; Basal cell nevus syndrome. Identifiers: Orphanet 377, MedGen C0004779, MONDO:0007187.
Hereditary cancer-predisposing syndrome. Also called: Tumor predisposition; Hereditary neoplastic syndrome; Neoplastic Syndromes, Hereditary; Hereditary Cancer Syndrome. Identifiers: Orphanet 140162, MedGen C0027672, MeSH D009386, MONDO:0015356.
Familial meningioma. Also called: Meningioma, familial, susceptibility to. Identifiers: Orphanet 263662, MedGen C3551915, MONDO:0011789, OMIM 607174.

Allele frequency attached by ClinVar (database versions not stated): gnomAD exomes below 0.00001.
gnomAD v4.1: 1 of 1,604,540 alleles (0.000062%); no homozygotes.

Submissions (3):

Labcorp Genetics (formerly Invitae), Labcorp
Classification: Uncertain significance for Gorlin syndrome; Medulloblastoma. Last evaluated: 2025-04-17. Review status: criteria provided, single submitter. Criteria: Invitae Variant Classification Sherloc (09022015). Collection method: clinical testing. Allele origin: germline.
Comment: This sequence change replaces proline, which is neutral and non-polar, with arginine, which is basic and polar, at codon 20 of the SUFU protein (p.Pro20Arg). This variant is not present in population databases (gnomAD no frequency). This variant has not been reported in the literature in individuals affected with SUFU-related conditions. ClinVar contains an entry for this variant (Variation ID: 2679096). An algorithm developed to predict the effect of missense changes on protein structure and function (PolyPhen-2) suggests that this variant is likely to be disruptive. In summary, the available evidence is currently insufficient to determine the role of this variant in disease. Therefore, it has been classified as a Variant of Uncertain Significance.

Ambry Genetics
Classification: Uncertain significance for Hereditary cancer-predisposing syndrome. Last evaluated: 2024-05-18. Review status: criteria provided, single submitter. Criteria: Ambry Variant Classification Scheme 2023. Collection method: clinical testing. Allele origin: germline.
Comment: The p.P20R variant (also known as c.59C>G), located in coding exon 1 of the SUFU gene, results from a C to G substitution at nucleotide position 59. The proline at codon 20 is replaced by arginine, an amino acid with dissimilar properties. This amino acid position is conserved. In addition, the in silico prediction for this alteration is inconclusive. Based on the available evidence, the clinical significance of this variant remains unclear.

Baylor Genetics
Classification: Uncertain significance for Familial meningioma. Last evaluated: 2023-06-02. Review status: criteria provided, single submitter. Criteria: ACMG Guidelines, 2015. Collection method: clinical testing. Allele origin: unknown.

NM_016169.4(SUFU):c.59C>G (p.Pro20Arg)

Genes: SUFU (SUFU negative regulator of hedgehog signaling; plus strand), LOC130004614 (ATAC-STARR-seq lymphoblastoid silent region 2764; plus strand). Cytogenetic location: 10q24.32.
Variant type: single nucleotide variant.
Coding change: c.59C>G on transcript NM_016169.4 (MANE Select); coding-DNA position 59, C replaced by G.
Protein change: p.Pro20Arg; replaces proline 20 with arginine.
Molecular consequence: missense variant.
Genome position (GRCh38, 1-based): chr10:102,504,211, C>G. VCF-style: chr10-102504211-C-G. GRCh37 (hg19) VCF-style: chr10-104263968-C-G.
Other names: c.59C>G, p.Pro20Arg (NM_001178133.2); short protein forms P20R.
Identifiers: ClinVar variation 2679096 (VCV002679096.3), dbSNP rs2544830551, ClinGen allele CA377886294.
Genomic context (GRCh38, chr10:102,504,211, plus strand): 5'-CGATGGCGGAGCTGCGGCCTAGCGGCGCCCCCGGCCCCACCGCGCCCCCGGCCCCTGGCC[C>G]GACTGCCCCCCCGGCCTTCGCTTCGCTCTTTCCCCCGGGACTGCACGCCATCTACGGAGA-3'
Protein context (NP_057253.2, residues 10-30): PGPTAPPAPG[Pro20Arg]TAPPAFASLF